The following is an entry in ClinVar:

NM_003482.4(KMT2D):c.9046G>A (p.Val3016Met)

Gene: KMT2D (lysine methyltransferase 2D; minus strand). Cytogenetic location: 12q13.12.
Variant type: single nucleotide variant.
Coding change: c.9046G>A on transcript NM_003482.4 (MANE Select); coding-DNA position 9046, G replaced by A.
Protein change: p.Val3016Met; replaces valine 3016 with methionine.
Molecular consequence: missense variant.
Genome position (GRCh38, 1-based): chr12:49,038,310, C>T on the plus strand (G>A on the coding strand, the complement: KMT2D is on the minus strand). VCF-style: chr12-49038310-C-T. GRCh37 (hg19) VCF-style: chr12-49432093-C-T.
Other names: short protein forms V3016M.
Identifiers: ClinVar variation 2811283 (VCV002811283.3), dbSNP rs2120494096, ClinGen allele CA384739859.

ClinVar aggregate classification (germline): Uncertain significance (1 of 4 stars; one submission).

Conditions:
Kabuki syndrome. Also called: Kabuki make-up syndrome; NIIKAWA-KUROKI SYNDROME. Identifiers: Orphanet 2322, MedGen C0796004, MONDO:0016512.

Allele frequency attached by ClinVar (database versions not stated): gnomAD exomes below 0.00001.
gnomAD v4.1: 1 of 1,613,904 alleles (0.000062%); highest among the groups gnomAD compares: Non-Finnish European, 0.000085%; no homozygotes.

Submission:

Labcorp Genetics (formerly Invitae), Labcorp
Classification: Uncertain significance for Kabuki syndrome. Last evaluated: 2022-11-01. Review status: criteria provided, single submitter. Criteria: Invitae Variant Classification Sherloc (09022015). Collection method: clinical testing. Allele origin: germline.
Comment: In summary, the available evidence is currently insufficient to determine the role of this variant in disease. Therefore, it has been classified as a Variant of Uncertain Significance. Advanced modeling of protein sequence and biophysical properties (such as structural, functional, and spatial information, amino acid conservation, physicochemical variation, residue mobility, and thermodynamic stability) performed at Invitae indicates that this missense variant is not expected to disrupt KMT2D protein function. This variant has not been reported in the literature in individuals affected with KMT2D-related conditions. This variant is not present in population databases (gnomAD no frequency). This sequence change replaces valine, which is neutral and non-polar, with methionine, which is neutral and non-polar, at codon 3016 of the KMT2D protein (p.Val3016Met).